The following is an entry in ClinVar:

ClinVar aggregate classification (germline): Uncertain significance (1 of 4 stars; one submission).

Submission:

GeneDx
Classification: Uncertain significance. Last evaluated: 2023-04-12. Review status: criteria provided, single submitter. Criteria: GeneDx Variant Classification Process June 2021. Collection method: clinical testing. Allele origin: germline. Affected: yes.
Comment: Not observed at significant frequency in large population cohorts (gnomAD); In silico analysis supports that this missense variant does not alter protein structure/function; Has not been previously published as pathogenic or benign to our knowledge

NM_207037.2(TCF12):c.1252G>A (p.Val418Ile)

Gene: TCF12 (transcription factor 12; plus strand). Cytogenetic location: 15q21.3.
Variant type: single nucleotide variant.
Coding change: c.1252G>A on transcript NM_207037.2 (MANE Select); coding-DNA position 1252, G replaced by A.
Protein change: p.Val418Ile; replaces valine 418 with isoleucine.
Molecular consequence: missense variant. On other transcripts: intron variant (8).
Genome position (GRCh38, 1-based): chr15:57,252,484, G>A. VCF-style: chr15-57252484-G-A. GRCh37 (hg19) VCF-style: chr15-57544682-G-A.
Other names: c.742G>A, p.Val248Ile (NM_001306219.3); c.1252G>A, p.Val418Ile (NM_001322151.2, NM_001322152.2, NM_001322159.3 and 3 more transcripts); c.595G>A, p.Val199Ile (NM_001322154.2); c.1078G>A, p.Val360Ile (NM_001322156.2); c.1189-778G>A (NM_001322157.3, NM_003205.4, NM_207038.2 and 1 more transcripts); c.1015-778G>A (NM_001322158.2); c.1225-778G>A (NM_001322164.2); c.679-778G>A (NM_207040.2); and 1 more; short protein forms V199I, V248I, V360I, V418I.
Identifiers: ClinVar variation 3343058 (VCV003343058.1).